The following is an entry in ClinVar:

NM_001195305.3(BBIP1):c.38-6060_38-6057del

Gene: BBIP1 (BBSome interacting protein 1; minus strand). Cytogenetic location: 10q25.2.
Variant type: Deletion.
Coding change: c.38-6060_38-6057del on transcript NM_001195305.3 (MANE Select); 6060 bases into the intron before coding-DNA position 38 through 6057 bases into the intron before coding-DNA position 38, 4 bases deleted (ACAA; older notation c.38-6060_38-6057delACAA).
Molecular consequence: intron variant.
Genome position (GRCh38, 1-based): chr10:110,907,669-110,907,672, TTGT deleted on the plus strand (ACAA on the coding strand, the reverse complement: BBIP1 is on the minus strand); deleting any 4 consecutive bases within chr10:110,907,669-110,907,673 gives the same sequence; the c. name uses the placement nearest the transcript's 3' end. VCF-style (leftmost placement, unchanged base first): chr10-110907668-ATTGT-A. GRCh37 (hg19) VCF-style: chr10-112667426-ATTGT-A.
Other names: c.38-6060_38-6057del (NM_001195306.2); c.-29-6060_-29-6057del (NM_001243783.3); c.38-7146_38-7143del (NM_001195307.2); c.194+8_194+11del (NM_001195304.2).
Identifiers: ClinVar variation 3048779 (VCV003048779.2), dbSNP rs1247630973, ClinGen allele CA595730380.

ClinVar aggregate classification (germline): Likely benign (0 of 4 stars; one submission).

Conditions:
BBIP1-related disorder. Also called: BBIP1-related condition.

Submission:

PreventionGenetics, part of Exact Sciences
Classification: Likely benign for BBIP1-related condition. Last evaluated: 2019-12-26. Review status: no assertion criteria provided. Collection method: clinical testing. Allele origin: germline.
Comment: This variant is classified as likely benign based on ACMG/AMP sequence variant interpretation guidelines (Richards et al. 2015 PMID: 25741868, with internal and published modifications).